The following is an entry in ClinVar:

NM_000428.3(LTBP2):c.4693C>T (p.Arg1565Cys)

Gene: LTBP2 (latent transforming growth factor beta binding protein 2; minus strand). Cytogenetic location: 14q24.3.
Variant type: single nucleotide variant.
Coding change: c.4693C>T on transcript NM_000428.3 (MANE Select); coding-DNA position 4693, C replaced by T.
Protein change: p.Arg1565Cys; replaces arginine 1565 with cysteine.
Molecular consequence: missense variant.
Genome position (GRCh38, 1-based): chr14:74,503,496, G>A on the plus strand (C>T on the coding strand, the complement: LTBP2 is on the minus strand). VCF-style: chr14-74503496-G-A. GRCh37 (hg19) VCF-style: chr14-74970199-G-A.
Other names: c.4693C>T (NM_000428.2); short protein forms R1565C.
Identifiers: ClinVar variation 2427811 (VCV002427811.4), dbSNP rs750269632, ClinGen allele CA7268676.

ClinVar aggregate classification (germline): Uncertain significance. Review status: criteria provided, multiple submitters, no conflicts (2 of 4 stars). 2 submissions from 2 submitters: Uncertain significance (2). Last evaluated 2024-01-03.

Conditions:
Inborn genetic diseases. Identifiers: MedGen C0950123, MeSH D030342.

Allele frequency attached by ClinVar (database versions not stated): ExAC 0.00001; gnomAD exomes 0.00002; TOPMed 0.00003; gnomAD 0.00005.
gnomAD v4.1: 36 of 1,612,484 alleles (0.0022%); highest among the groups gnomAD compares: South Asian, 0.0055%; no homozygotes.

Submissions (2):

Ambry Genetics
Classification: Uncertain significance for Inborn genetic diseases. Last evaluated: 2024-01-03. Review status: criteria provided, single submitter. Criteria: Ambry Variant Classification Scheme 2023. Collection method: clinical testing. Allele origin: germline.

Labcorp Genetics (formerly Invitae), Labcorp
Classification: Uncertain significance. Last evaluated: 2022-06-14. Review status: criteria provided, single submitter. Criteria: Invitae Variant Classification Sherloc (09022015). Collection method: clinical testing. Allele origin: germline.
Comment: This sequence change replaces arginine, which is basic and polar, with cysteine, which is neutral and slightly polar, at codon 1565 of the LTBP2 protein (p.Arg1565Cys). This variant is present in population databases (rs750269632, gnomAD 0.004%). This variant has not been reported in the literature in individuals affected with LTBP2-related conditions. Algorithms developed to predict the effect of missense changes on protein structure and function (SIFT, PolyPhen-2, Align-GVGD) all suggest that this variant is likely to be disruptive. In summary, the available evidence is currently insufficient to determine the role of this variant in disease. Therefore, it has been classified as a Variant of Uncertain Significance.